The following is an entry in ClinVar:

NM_002454.3(MTRR):c.972_973insATACTACATAACTATTTATTGCTGTAACAGAAAGCTTCAGGAAAAATGGAAGGGTTTTGGTAGGTAATAAT (p.Gln325delinsIleLeuHisAsnTyrLeuLeuLeuTer)

Gene: MTRR (5-methyltetrahydrofolate-homocysteine methyltransferase reductase; plus strand). Cytogenetic location: 5p15.31.
Variant type: Insertion.
Coding change: c.972_973insATACTACATAACTATTTATTGCTGTAACAGAAAGCTTCAGGAAAAATGGAAGGGTTTTGGTAGGTAATAAT on transcript NM_002454.3 (MANE Select); coding-DNA positions 972 to 973, ATACTACATAACTATTTATTGCTGTAACAGAAAGCTTCAGGAAAAATGGAAGGGTTTTGGTAGGTAATAAT inserted.
Protein change: p.Gln325delinsIleLeuHisAsnTyrLeuLeuLeuTer.
Molecular consequence: nonsense. On other transcripts: non-coding transcript variant (14).
Genome position: GRCh38: chr5:7,885,769-7,885,770. GRCh37 (hg19): chr5:7,885,882-7,885,883.
Other names: c.972_973insATACTACATAACTATTTATTGCTGTAACAGAAAGCTTCAGGAAAAATGGAAGGGTTTTGGTAGGTAATAAT, p.Gln325delinsIleLeuHisAsnTyrLeuLeuLeuTer (NM_001364440.2, NM_001364441.2, NM_001364442.2 and 1 more transcripts).
Identifiers: ClinVar variation 4058003 (VCV004058003.2).

ClinVar aggregate classification (germline): Likely pathogenic (1 of 4 stars; one submission).

Conditions:
Methylcobalamin deficiency type cblE (HMAE). Also called: HOMOCYSTINURIA-MEGALOBLASTIC ANEMIA, cblE COMPLEMENTATION TYPE; VITAMIN B12-RESPONSIVE HOMOCYSTINURIA, cblE TYPE; HOMOCYSTINURIA-MEGALOBLASTIC ANEMIA, cblE TYPE. Identifiers: Orphanet 2169, Orphanet 622, MedGen C1856057, MONDO:0009354, OMIM 236270.

Submission:

Natera, Inc.
Classification: Likely pathogenic for CblE complementation type homocystinuria-megaloblastic anemia due to defect in cobalamin metabolism. Last evaluated: 2025-01-14. Review status: criteria provided, single submitter. Criteria: Natera Variant Classification Schema (03/2026). Collection method: clinical testing. Allele origin: germline.
Comment: The c.972_973insATACTACATAACTATTTATTGCTGTAACAGAAAGCTTCAGGAAAAATGGAAGGGTTTTGGTAGGTAATAAT variant in MTRR is a frameshift variant predicted to shift the reading frame beginning at codon 325 and leads to a stop codon 9 codons downstream. This variant is expected to result in nonsense mediated decay, truncation, or a dysfunctional protein product. This variant is rare in the general population with a frequency below the threshold expected for the associated phenotype(s). Given the available evidence, this variant is classified as Likely Pathogenic.